The following is an entry in ClinVar:

NM_004380.3(CREBBP):c.1735A>G (p.Thr579Ala)

Genes: CREBBP (CREB binding lysine acetyltransferase; minus strand), LOC130058353 (ATAC-STARR-seq lymphoblastoid active region 10333; plus strand). Cytogenetic location: 16p13.3.
Variant type: single nucleotide variant.
Coding change: c.1735A>G on transcript NM_004380.3 (MANE Select); coding-DNA position 1735, A replaced by G.
Protein change: p.Thr579Ala; replaces threonine 579 with alanine.
Molecular consequence: missense variant.
Genome position (GRCh38, 1-based): chr16:3,780,820, T>C on the plus strand (A>G on the coding strand, the complement: CREBBP is on the minus strand). VCF-style: chr16-3780820-T-C. GRCh37 (hg19) VCF-style: chr16-3830821-T-C.
Other names: c.1621A>G, p.Thr541Ala (NM_001079846.1); c.1735A>G (NM_004380.2); short protein forms T541A, T579A.
Identifiers: ClinVar variation 2734234 (VCV002734234.6), dbSNP rs370489037, ClinGen allele CA7870367.

ClinVar aggregate classification (germline): Conflicting classifications of pathogenicity. Review status: criteria provided, conflicting classifications (1 of 4 stars). 4 submissions from 4 submitters: Uncertain significance (2); Benign (1). 1 of the submissions does not count toward it. Last evaluated 2025-12-11.

Conditions:
CREBBP-related disorder. Also called: CREBBP-related disorders; CREBBP-related condition.
Rubinstein-Taybi syndrome due to CREBBP mutations (RSTS1). Also called: RUBINSTEIN-TAYBI SYNDROME 1, INCOMPLETE; BROAD THUMB-HALLUX SYNDROME; BROAD THUMBS AND GREAT TOES, CHARACTERISTIC FACIES, AND IMPAIRED INTELLECTUAL DEVELOPMENT; RUBINSTEIN SYNDROME; Rubinstein-Taybi syndrome 1; CREBBP-Related Rubinstein-Taybi Syndrome. Identifiers: Orphanet 353277, Orphanet 783, MedGen C4551859, MONDO:0008393, OMIM 180849.
Menke-Hennekam syndrome 1 (MKHK1). Identifiers: MedGen C5193034, MONDO:0020763, OMIM 618332.
Inborn genetic diseases. Identifiers: MedGen C0950123, MeSH D030342.
Rubinstein-Taybi syndrome (RSTS). Identifiers: Orphanet 783, MedGen C0035934, MONDO:0019188.

Allele frequency attached by ClinVar (database versions not stated): gnomAD exomes below 0.00001; ExAC 0.00002; TOPMed 0.00003; gnomAD 0.00005; ESP Exome Variant Server 0.00008.
gnomAD v4.1: 11 of 1,613,810 alleles (0.00068%); highest among the groups gnomAD compares: African/African-American, 0.013%; no homozygotes.

Submissions (4):

Ambry Genetics
Classification: Uncertain significance for Inborn genetic diseases. Last evaluated: 2025-12-11. Review status: criteria provided, single submitter. Criteria: Ambry Variant Classification Scheme 2023. Collection method: clinical testing. Allele origin: germline.

Fulgent Genetics
Classification: Uncertain significance for Rubinstein-Taybi syndrome due to CREBBP mutations; Menke-Hennekam syndrome 1. Last evaluated: 2024-03-25. Review status: criteria provided, single submitter. Criteria: ACMG Guidelines, 2015. Collection method: clinical testing. Allele origin: germline.

Labcorp Genetics (formerly Invitae), Labcorp
Classification: Benign for Rubinstein-Taybi syndrome. Last evaluated: 2023-08-27. Review status: criteria provided, single submitter. Criteria: Invitae Variant Classification Sherloc (09022015). Collection method: clinical testing. Allele origin: germline.

PreventionGenetics, part of Exact Sciences
Classification: Uncertain significance for CREBBP-related condition. Last evaluated: 2024-01-30. Review status: no assertion criteria provided. Collection method: clinical testing. Allele origin: germline. Not counted in ClinVar's aggregate classification.
Comment: The CREBBP c.1735A>G variant is predicted to result in the amino acid substitution p.Thr579Ala. To our knowledge, this variant has not been reported in the literature. This variant is reported in 0.016% of alleles in individuals of African descent in gnomAD. Although we suspect that this variant may be benign, at this time, the clinical significance of this variant is uncertain due to the absence of conclusive functional and genetic evidence.